The following is an entry in ClinVar:

ClinVar aggregate classification (germline): Uncertain significance (1 of 4 stars; one submission).

Conditions:
ANE syndrome. Identifiers: Orphanet 157954, MedGen C2677535, MONDO:0012794, OMIM 612079.

Submission:

Undiagnosed Diseases Network, NIH
Classification: Uncertain significance for ANE syndrome. Last evaluated: 2025-11-13. Review status: criteria provided, single submitter. Criteria: ACMG Guidelines, 2015. Collection method: clinical testing. Allele origin: maternal. Inheritance: Autosomal recessive inheritance. Affected: yes. Observed: 1 variant allele, 1 compound heterozygote. Study: Undiagnosed Diseases Network (NIH), UDN.
Comment: This variant is predicted to result in a premature stop codon, leading to a truncated or absent protein. It has not been previously reported in the literature, nor in population controls of the Genome Aggregation Database (gnomAD).

NM_018077.3(RBM28):c.626del (p.Ser209fs)

Gene: RBM28 (RNA binding motif protein 28; minus strand). Cytogenetic location: 7q32.1.
Variant type: Deletion.
Coding change: c.626del on transcript NM_018077.3 (MANE Select); coding-DNA position 626, one base deleted (G; older notation c.626delG).
Protein change: p.Ser209fs; shifts the reading frame from serine 209.
Molecular consequence: frameshift variant.
Genome position (GRCh38, 1-based): chr7:128,336,030, C deleted on the plus strand (G on the coding strand, the reverse complement: RBM28 is on the minus strand). VCF-style (leftmost placement, unchanged base first): chr7-128336029-GC-G. GRCh37 (hg19) VCF-style: chr7-127976083-GC-G.
Other names: p.Ser209Thrfs*49; c.203del, p.Ser68fs (NM_001166135.2); short protein forms S209fs, S68fs.
Identifiers: ClinVar variation 4819285 (VCV004819285.1).